The following is an entry in ClinVar:

ClinVar aggregate classification (germline): Likely benign. Review status: criteria provided, multiple submitters, no conflicts (2 of 4 stars). 4 submissions from 4 submitters: Likely benign (3). 1 of the submissions does not count toward it. Last evaluated 2026-01-12.

Conditions:
RBBP8-related disorder. Also called: RBBP8-Related Disorders; RBBP8-related condition. Identifiers: MedGen CN239300.

Allele frequency attached by ClinVar (database versions not stated): gnomAD exomes 0.00014; ExAC 0.00015; gnomAD 0.00041; ESP Exome Variant Server 0.00046; TOPMed 0.00065; 1000 Genomes Project 30x 0.00125; 1000 Genomes Project 0.00140.
gnomAD v4.1: 160 of 1,612,232 alleles (0.0099%); highest among the groups gnomAD compares: African/African-American, 0.19%; 1 homozygote.

Submissions (4):

Labcorp Genetics (formerly Invitae), Labcorp
Classification: Likely benign. Last evaluated: 2026-01-12. Review status: criteria provided, single submitter. Criteria: Invitae Variant Classification Sherloc (09022015). Collection method: clinical testing. Allele origin: germline.

Blueprint Genetics
Classification: Likely benign. Last evaluated: 2023-12-13. Review status: criteria provided, single submitter. Criteria: ACMG Guidelines, 2015. Collection method: clinical testing. Allele origin: germline.

Genetic Services Laboratory, University of Chicago
Classification: Likely benign. Last evaluated: 2018-03-09. Review status: criteria provided, single submitter. Criteria: ACMG Guidelines, 2015. Collection method: clinical testing. Allele origin: germline. Affected: no.

PreventionGenetics, part of Exact Sciences
Classification: Likely benign for RBBP8-related condition. Last evaluated: 2019-04-10. Review status: no assertion criteria provided. Collection method: clinical testing. Allele origin: germline. Not counted in ClinVar's aggregate classification.
Comment: This variant is classified as likely benign based on ACMG/AMP sequence variant interpretation guidelines (Richards et al. 2015 PMID: 25741868, with internal and published modifications).

NM_002894.3(RBBP8):c.228C>T (p.Thr76=)

Gene: RBBP8 (RB binding protein 8, endonuclease; plus strand). Cytogenetic location: 18q11.2.
Variant type: single nucleotide variant.
Coding change: c.228C>T on transcript NM_002894.3 (MANE Select); coding-DNA position 228, C replaced by T.
Protein change: p.Thr76=; no amino-acid change (threonine 76 retained).
Molecular consequence: synonymous variant.
Genome position (GRCh38, 1-based): chr18:22,949,693, C>T. VCF-style: chr18-22949693-C-T. GRCh37 (hg19) VCF-style: chr18-20529656-C-T.
Other names: c.228C>T, p.Thr76= (NM_203291.2, NM_203292.2).
Identifiers: ClinVar variation 739032 (VCV000739032.15), dbSNP rs139706715, ClinGen allele CA8909745.
Genomic context (GRCh38, chr18:22,949,693, plus strand): 5'-AGAAGAATTCTTCACCAAAAATCAACAGCTGAGGGAACAGCAGAAAGTCCTTCATGAAAC[C>T]ATTAAAGTTTTAGAAGATCGGTGAGTCTGGCACTTAGGTCTTGAGTAAGAAGTGATTTCC-3'
Protein context (NP_002885.1, residues 66-86): LREQQKVLHE[Thr76=]IKVLEDRLRA